The following is an entry in ClinVar:

NM_016201.4(AMOTL2):c.1663_1665del (p.Lys555del)

Gene: AMOTL2 (angiomotin like 2; minus strand). Cytogenetic location: 3q22.2.
Variant type: Deletion.
Coding change: c.1663_1665del on transcript NM_016201.4 (MANE Select); coding-DNA positions 1663 to 1665, 3 bases deleted (AAG; older notation c.1663_1665delAAG).
Protein change: p.Lys555del; deletes lysine 555.
Molecular consequence: inframe deletion.
Genome position (GRCh38, 1-based): chr3:134,360,324-134,360,326, CTT deleted on the plus strand (AAG on the coding strand, the reverse complement: AMOTL2 is on the minus strand); deleting any 3 consecutive bases within chr3:134,360,324-134,360,328 gives the same sequence; the c. name uses the placement nearest the transcript's 3' end. VCF-style (leftmost placement, unchanged base first): chr3-134360323-CCTT-C. GRCh37 (hg19) VCF-style: chr3-134079165-CCTT-C.
Other names: c.1837_1839del, p.Lys613del (NM_001278683.1); c.1657_1659del, p.Lys553del (NM_001278685.2); c.1663_1665del, p.Lys555del (NM_001363943.2); short protein forms K553del, K555del, K613del.
Identifiers: ClinVar variation 2654163 (VCV002654163.24), dbSNP rs2472946197, ClinGen allele CA2695199287.
Genomic context (GRCh38, chr3:134,360,323, plus strand): 5'-CCTCCAAATACTTCTGCTCCCACTTGGTCATGTCGGCCTCCAGCGCCAGGATCTGCTCCT[CCTT>C]CTCTCGCAGTTGTTCTGACAGTCGCAGGGCGCTGAGCTCTGGAGACCCACCACTGCCACT-3'

ClinVar aggregate classification (germline): Uncertain significance (1 of 4 stars; one submission).

Submission:

CeGaT Center for Human Genetics Tuebingen
Classification: Uncertain significance. Last evaluated: 2022-05-01. Review status: criteria provided, single submitter. Criteria: CeGaT Center For Human Genetics Tuebingen Variant Classification Criteria Version 2. Collection method: clinical testing. Allele origin: germline. Affected: yes. Observed: 1 variant allele.
Comment: AMOTL2: PM2